The following is an entry in ClinVar:

ClinVar aggregate classification (germline): Uncertain significance. Review status: criteria provided, multiple submitters, no conflicts (2 of 4 stars). 2 submissions from 2 submitters: Uncertain significance (2). Last evaluated 2025-01-06.

Conditions:
Myopathy, proximal, and ophthalmoplegia (CMYO6). Also called: CONGENITAL MYOPATHY 6 WITH OPHTHALMOPLEGIA; MYOPATHY WITH CONGENITAL JOINT CONTRACTURES, OPHTHALMOPLEGIA, AND RIMMED VACUOLES; INCLUSION BODY MYOPATHY 3, AUTOSOMAL DOMINANT. Identifiers: Orphanet 363677, Orphanet 79091, MedGen C1854106, MONDO:0011577, OMIM 605637.

Allele frequency attached by ClinVar (database versions not stated): TOPMed 0.00001; ExAC 0.00002; gnomAD exomes 0.00002.

Submissions (2):

Labcorp Genetics (formerly Invitae), Labcorp
Classification: Uncertain significance for Myopathy, proximal, and ophthalmoplegia. Last evaluated: 2025-01-06. Review status: criteria provided, single submitter. Criteria: Invitae Variant Classification Sherloc (09022015). Collection method: clinical testing. Allele origin: germline.
Comment: This sequence change replaces valine, which is neutral and non-polar, with methionine, which is neutral and non-polar, at codon 1600 of the MYH2 protein (p.Val1600Met). This variant is present in population databases (rs774036368, gnomAD 0.01%). This variant has not been reported in the literature in individuals affected with MYH2-related conditions. ClinVar contains an entry for this variant (Variation ID: 1045672). Invitae Evidence Modeling of protein sequence and biophysical properties (such as structural, functional, and spatial information, amino acid conservation, physicochemical variation, residue mobility, and thermodynamic stability) indicates that this missense variant is not expected to disrupt MYH2 protein function with a negative predictive value of 80%. In summary, the available evidence is currently insufficient to determine the role of this variant in disease. Therefore, it has been classified as a Variant of Uncertain Significance.

Blueprint Genetics
Classification: Uncertain significance. Last evaluated: 2023-03-30. Review status: criteria provided, single submitter. Criteria: ACMG Guidelines, 2015. Collection method: clinical testing. Allele origin: germline.

NM_017534.6(MYH2):c.4798G>A (p.Val1600Met)

Genes: MYH2 (myosin heavy chain 2; minus strand), MYHAS (myosin heavy chain gene cluster antisense RNA; plus strand), LOC126862500 (BRD4-independent group 4 enhancer GRCh37_chr17:10427829-10429028; plus strand). Cytogenetic location: 17p13.1.
Variant type: single nucleotide variant.
Coding change: c.4798G>A on transcript NM_017534.6 (MANE Select); coding-DNA position 4798, G replaced by A.
Protein change: p.Val1600Met; replaces valine 1600 with methionine.
Molecular consequence: missense variant.
Genome position (GRCh38, 1-based): chr17:10,524,930, C>T on the plus strand (G>A on the coding strand, the complement: MYH2 is on the minus strand). VCF-style: chr17-10524930-C-T. GRCh37 (hg19) VCF-style: chr17-10428247-C-T.
Other names: c.4798G>A, p.Val1600Met (NM_001100112.2); short protein forms V1600M.
Identifiers: ClinVar variation 1045672 (VCV001045672.6), dbSNP rs774036368, ClinGen allele CA8390560.
Genomic context (GRCh38, chr17:10,524,930, plus strand): 5'-GCCTAATGGCATCATTCCTACTCCTGATCTCAGCATCCAGCGTGCTCTGCATGGACTCCA[C>T]GATTCTAATGTGGTTTCTCTTCAGCTGGTCAATTTCCTCATCTTTTTCAGCAATTTTCCT-3'
Protein context (NP_060004.3, residues 1590-1610): DQLKRNHIRI[Val1600Met]ESMQSTLDAE